The following is an entry in ClinVar:

ClinVar aggregate classification (germline): Likely benign (1 of 4 stars; one submission).

Allele frequency attached by ClinVar (database versions not stated): ExAC 0.00001; gnomAD exomes 0.00001.

Submission:

CeGaT Center for Human Genetics Tuebingen
Classification: Likely benign. Last evaluated: 2023-07-01. Review status: criteria provided, single submitter. Criteria: CeGaT Center For Human Genetics Tuebingen Variant Classification Criteria Version 2. Collection method: clinical testing. Allele origin: germline. Affected: yes. Observed: 1 variant allele.
Comment: BRSK2: BP4, BP7

NM_001256627.2(BRSK2):c.616C>T (p.Leu206=)

Gene: BRSK2 (BR serine/threonine kinase 2; plus strand). Cytogenetic location: 11p15.5.
Variant type: single nucleotide variant.
Coding change: c.616C>T on transcript NM_001256627.2 (MANE Select); coding-DNA position 616, C replaced by T.
Protein change: p.Leu206=; no amino-acid change (leucine 206 retained).
Molecular consequence: synonymous variant. On other transcripts: non-coding transcript variant (1).
Genome position (GRCh38, 1-based): chr11:1,443,386, C>T. VCF-style: chr11-1443386-C-T. GRCh37 (hg19) VCF-style: chr11-1464616-C-T.
Other names: c.616C>T, p.Leu206= (NM_001256629.2, NM_003957.4); c.754C>T, p.Leu252= (NM_001256630.1); c.436C>T, p.Leu146= (NM_001282218.2).
Identifiers: ClinVar variation 2641322 (VCV002641322.24), dbSNP rs774287617, ClinGen allele CA5810573.
Genomic context (GRCh38, chr11:1,443,386, plus strand): 5'-TGTCCACAGGGGGAGAAGTATGACGGCCGGAAGGCGGACGTGTGGAGCTGCGGCGTCATC[C>T]TGTTCGCCTTGCTGGTGGTGAGACCCTGGCCCCCTCAACCCTGCCCTGGCCTCTCCCCAA-3'
Protein context (NP_001243556.1, residues 196-216): KADVWSCGVI[Leu206=]FALLVGALPF